The following is an entry in ClinVar:

ClinVar aggregate classification (germline): Conflicting classifications of pathogenicity. Review status: criteria provided, conflicting classifications (1 of 4 stars). 3 submissions from 3 submitters: Uncertain significance (1); Likely benign (2). Last evaluated 2025-11-06.

Conditions:
POLD1-related polyposis and colorectal cancer syndrome (CRCS10). Also called: Colorectal cancer, susceptibility to, 10; Colorectal cancer 10; COLORECTAL CANCER, SUSCEPTIBILITY TO, ON CHROMOSOME 19q. Identifiers: Orphanet 220460, MedGen C2675481, MONDO:0012953, OMIM 612591.
Hereditary cancer-predisposing syndrome. Also called: Hereditary neoplastic syndrome; Neoplastic Syndromes, Hereditary; Tumor predisposition; Hereditary Cancer Syndrome. Identifiers: Orphanet 140162, MedGen C0027672, MeSH D009386, MONDO:0015356.

gnomAD v4.1: 1 of 1,549,808 alleles (0.000065%); highest among the groups gnomAD compares: South Asian, 0.0012%; no homozygotes.

Submissions (3):

Ambry Genetics
Classification: Likely benign for Hereditary cancer-predisposing syndrome. Last evaluated: 2025-11-06. Review status: criteria provided, single submitter. Criteria: Ambry Variant Classification Scheme 2023. Collection method: clinical testing. Allele origin: germline.

Labcorp Genetics (formerly Invitae), Labcorp
Classification: Likely benign for POLD1-related polyposis and colorectal cancer syndrome. Last evaluated: 2024-07-11. Review status: criteria provided, single submitter. Criteria: Invitae Variant Classification Sherloc (09022015). Collection method: clinical testing. Allele origin: germline.

GeneDx
Classification: Uncertain significance. Last evaluated: 2024-03-29. Review status: criteria provided, single submitter. Criteria: GeneDx Variant Classification Process June 2021. Collection method: clinical testing. Allele origin: germline. Affected: yes.
Comment: Not observed at significant frequency in large population cohorts (gnomAD); In silico analysis supports that this variant does not alter splicing; Has not been previously published as pathogenic or benign to our knowledge

NM_002691.4(POLD1):c.2850G>A (p.Leu950=)

Gene: POLD1 (DNA polymerase delta 1, catalytic subunit; plus strand). Cytogenetic location: 19q13.33.
Variant type: single nucleotide variant.
Coding change: c.2850G>A on transcript NM_002691.4 (MANE Select); coding-DNA position 2850, G replaced by A.
Protein change: p.Leu950=; no amino-acid change (leucine 950 retained).
Molecular consequence: synonymous variant. On other transcripts: non-coding transcript variant (1).
Genome position (GRCh38, 1-based): chr19:50,416,425, G>A. VCF-style: chr19-50416425-G-A. GRCh37 (hg19) VCF-style: chr19-50919682-G-A.
Other names: c.2850G>A (NM_002691.2); c.2850G>A, p.Leu950= (NM_001256849.1); c.2928G>A, p.Leu976= (NM_001308632.1).
Identifiers: ClinVar variation 1149965 (VCV001149965.12), dbSNP rs1362844961, ClinGen allele CA508186435.